The following is an entry in ClinVar:

ClinVar aggregate classification (germline): Uncertain significance (1 of 4 stars; one submission).

Conditions:
POLD1-related polyposis and colorectal cancer syndrome (CRCS10). Also called: Colorectal cancer 10; COLORECTAL CANCER, SUSCEPTIBILITY TO, ON CHROMOSOME 19q; Colorectal cancer, susceptibility to, 10. Identifiers: Orphanet 220460, MedGen C2675481, MONDO:0012953, OMIM 612591.

Submission:

Labcorp Genetics (formerly Invitae), Labcorp
Classification: Uncertain significance for POLD1-related polyposis and colorectal cancer syndrome. Last evaluated: 2024-12-20. Review status: criteria provided, single submitter. Criteria: Invitae Variant Classification Sherloc (09022015). Collection method: clinical testing. Allele origin: germline.
Comment: This sequence change creates a premature translational stop signal (p.Ser1034*) in the POLD1 gene. Missense variants that disrupt the 3'-5' exonuclease (proof-reading) activity of the POLD1 protein are associated with PPAP (polymerase proofreading–associated polyposis) (PMID: 23263490, 23447401). However, loss-of-function variants that result in an absent or severely disrupted POLD1 protein, and missense variants outside the exonuclease domain, are unlikely to be associated with PPAP. This variant is not present in population databases (gnomAD no frequency). This variant has not been reported in the literature in individuals affected with POLD1-related conditions. Algorithms developed to predict the effect of sequence changes on RNA splicing suggest that this variant may disrupt the consensus splice site. In summary, the available evidence is currently insufficient to determine the role of this variant in disease. Therefore, it has been classified as a Variant of Uncertain Significance.

Literature cited by the submitters: PubMed 23263490; PubMed 23447401.

NM_002691.4(POLD1):c.3101_3102del (p.Glu1033_Ser1034insTer)

Gene: POLD1 (DNA polymerase delta 1, catalytic subunit; plus strand). Cytogenetic location: 19q13.33.
Variant type: Deletion.
Coding change: c.3101_3102del on transcript NM_002691.4 (MANE Select); coding-DNA positions 3101 to 3102, 2 bases deleted (CT; older notation c.3101_3102delCT).
Protein change: p.Glu1033_Ser1034insTer.
Molecular consequence: nonsense. On other transcripts: non-coding transcript variant (1).
Genome position (GRCh38, 1-based): chr19:50,417,078-50,417,079, CT deleted; deleting any 2 consecutive bases within chr19:50,417,077-50,417,079 gives the same sequence; the c. name uses the placement nearest the transcript's 3' end. VCF-style (leftmost placement, unchanged base first): chr19-50417076-GTC-G. GRCh37 (hg19) VCF-style: chr19-50920333-GTC-G.
Other names: c.3101_3102del, p.Glu1033_Ser1034insTer (NM_001256849.1); c.3179_3180del, p.Glu1059_Ser1060insTer (NM_001308632.1).
Identifiers: ClinVar variation 3618659 (VCV003618659.2).